The following is an entry in ClinVar:

NM_000317.3(PTS):c.84-2A>G

Gene: PTS (6-pyruvoyltetrahydropterin synthase; plus strand). Cytogenetic location: 11q23.1.
Variant type: single nucleotide variant.
Coding change: c.84-2A>G on transcript NM_000317.3 (MANE Select); the canonical splice acceptor site of the intron before coding-DNA position 84, A replaced by G.
Molecular consequence: splice acceptor variant.
Genome position (GRCh38, 1-based): chr11:112,228,592, A>G. VCF-style: chr11-112228592-A-G. GRCh37 (hg19) VCF-style: chr11-112099315-A-G.
Other names: c.84-2A>G (NM_000317.2).
Identifiers: ClinVar variation 2144321 (VCV002144321.8), dbSNP rs772285014, ClinGen allele CA6278459.
Genomic context (GRCh38, chr11:112,228,592, plus strand): 5'-AGAGAAGGGGGTTTGAATGTGATACTTGTGTCATGCTGACTTTTTTTTTTTTTTTTGGTC[A>G]GTAAATTTCTAAGTGATGAAGAAAACTTGAAACTGTTTGGGAAATGCAACAATCCAAATG-3'

ClinVar aggregate classification (germline): Likely pathogenic. Review status: criteria provided, multiple submitters, no conflicts (2 of 4 stars). 4 submissions from 4 submitters: Likely pathogenic (4). Last evaluated 2025-11-30.

Conditions:
6-Pyruvoyl-tetrahydrobiopterin synthase deficiency. Also called: BH4-deficient hyperphenylalaninemia A; Hyperphenylalanemia, BH4-deficient, A; Hyperphenylalaninemia due to 6-pyruvoyl-tetrahydropterin synthase deficiency; PTS-Related Tetrahydrobiopterin Deficiency; 6-Pyruvoyltetrahydropterin Synthase Deficiency; HYPERPHENYLALANINEMIA, TETRAHYDROBIOPTERIN-DEFICIENT, DUE TO PTS DEFICIENCY. Identifiers: Orphanet 13, Orphanet 238583, MedGen C0878676, MONDO:0009863, OMIM 261640.

Allele frequency attached by ClinVar (database versions not stated): gnomAD exomes below 0.00001; ExAC 0.00001.
gnomAD v4.1: 2 of 1,563,520 alleles (0.00013%); highest among the groups gnomAD compares: Non-Finnish European, 0.00017%; no homozygotes.

Submissions (4):

Natera, Inc.
Classification: Likely pathogenic for 6-Pyruvoyl-tetrahydrobiopterin synthase deficiency. Last evaluated: 2025-11-30. Review status: criteria provided, single submitter. Criteria: Natera Variant Classification Schema (03/2026). Collection method: clinical testing. Allele origin: germline.
Comment: The c.84-2A>G variant in PTS is a canonical splice acceptor site variant predicted to affect pre-mRNA splicing, which may result in an abnormal transcript and altered protein product. This variant is expected to result in nonsense mediated decay, truncation, or a dysfunctional protein product. This variant is rare in the general population with a frequency below the threshold expected for the associated phenotype(s). Given the available evidence, this variant is classified as Likely Pathogenic.

Fulgent Genetics
Classification: Likely pathogenic for 6-Pyruvoyl-tetrahydrobiopterin synthase deficiency. Last evaluated: 2024-04-17. Review status: criteria provided, single submitter. Criteria: ACMG Guidelines, 2015. Collection method: clinical testing. Allele origin: germline.

Baylor Genetics
Classification: Likely pathogenic for 6-Pyruvoyl-tetrahydrobiopterin synthase deficiency. Last evaluated: 2024-03-24. Review status: criteria provided, single submitter. Criteria: ACMG Guidelines, 2015. Collection method: clinical testing. Allele origin: unknown.

Labcorp Genetics (formerly Invitae), Labcorp
Classification: Likely pathogenic for 6-Pyruvoyl-tetrahydrobiopterin synthase deficiency. Last evaluated: 2022-10-10. Review status: criteria provided, single submitter. Criteria: Invitae Variant Classification Sherloc (09022015). Collection method: clinical testing. Allele origin: germline.
Comment: In summary, the currently available evidence indicates that the variant is pathogenic, but additional data are needed to prove that conclusively. Therefore, this variant has been classified as Likely Pathogenic. Algorithms developed to predict the effect of sequence changes on RNA splicing suggest that this variant may disrupt the consensus splice site. This variant has not been reported in the literature in individuals affected with PTS-related conditions. The frequency data for this variant in the population databases is considered unreliable, as metrics indicate poor data quality at this position in the gnomAD database. This sequence change affects an acceptor splice site in intron 1 of the PTS gene. It is expected to disrupt RNA splicing. Variants that disrupt the donor or acceptor splice site typically lead to a loss of protein function (PMID: 16199547), and loss-of-function variants in PTS are known to be pathogenic (PMID: 3297709, 16917893).

Literature cited by the submitters: PubMed 16199547 (cited by Labcorp Genetics (formerly Invitae), Labcorp); PubMed 3297709 (cited by Labcorp Genetics (formerly Invitae), Labcorp); PubMed 16917893 (cited by Labcorp Genetics (formerly Invitae), Labcorp).